The following is an entry in ClinVar:

NM_144643.4(SCLT1):c.1784C>T (p.Thr595Met)

Gene: SCLT1 (sodium channel and clathrin linker 1; minus strand). Cytogenetic location: 4q28.2.
Variant type: single nucleotide variant.
Coding change: c.1784C>T on transcript NM_144643.4 (MANE Select); coding-DNA position 1784, C replaced by T.
Protein change: p.Thr595Met; replaces threonine 595 with methionine.
Molecular consequence: missense variant.
Genome position (GRCh38, 1-based): chr4:128,936,700, G>A on the plus strand (C>T on the coding strand, the complement: SCLT1 is on the minus strand). VCF-style: chr4-128936700-G-A. GRCh37 (hg19) VCF-style: chr4-129857855-G-A.
Other names: c.1784C>T (NM_144643.2); short protein forms T595M.
Identifiers: ClinVar variation 1470612 (VCV001470612.9), dbSNP rs373795627, ClinGen allele CA3079524.

ClinVar aggregate classification (germline): Uncertain significance. Review status: criteria provided, multiple submitters, no conflicts (2 of 4 stars). 3 submissions from 3 submitters: Uncertain significance (3). Last evaluated 2025-08-09.

Allele frequency attached by ClinVar (database versions not stated): gnomAD 0.00001; gnomAD exomes 0.00002; ExAC 0.00003; TOPMed 0.00003; ESP Exome Variant Server 0.00008.
gnomAD v4.1: 24 of 1,606,470 alleles (0.0015%); highest among the groups gnomAD compares: South Asian, 0.016%; 1 homozygote.

Submissions (3):

Ambry Genetics
Classification: Uncertain significance. Last evaluated: 2025-08-09. Review status: criteria provided, single submitter. Criteria: Ambry Variant Classification Scheme 2023. Collection method: clinical testing. Allele origin: germline.

Labcorp Genetics (formerly Invitae), Labcorp
Classification: Uncertain significance. Last evaluated: 2024-11-01. Review status: criteria provided, single submitter. Criteria: Invitae Variant Classification Sherloc (09022015). Collection method: clinical testing. Allele origin: germline.
Comment: This sequence change replaces threonine, which is neutral and polar, with methionine, which is neutral and non-polar, at codon 595 of the SCLT1 protein (p.Thr595Met). This variant is present in population databases (rs373795627, gnomAD 0.01%). This variant has not been reported in the literature in individuals affected with SCLT1-related conditions. ClinVar contains an entry for this variant (Variation ID: 1470612). An algorithm developed to predict the effect of missense changes on protein structure and function outputs the following: PolyPhen-2: "Benign". The methionine amino acid residue is found in multiple mammalian species, which suggests that this missense change does not adversely affect protein function. In summary, the available evidence is currently insufficient to determine the role of this variant in disease. Therefore, it has been classified as a Variant of Uncertain Significance.

Blueprint Genetics
Classification: Uncertain significance. Last evaluated: 2023-09-30. Review status: criteria provided, single submitter. Criteria: ACMG Guidelines, 2015. Collection method: clinical testing. Allele origin: germline.